The following is an entry in ClinVar:

ClinVar aggregate classification (germline): Uncertain significance (1 of 4 stars; one submission).

Conditions:
Hereditary cancer-predisposing syndrome. Also called: Tumor predisposition; Hereditary Cancer Syndrome; Neoplastic Syndromes, Hereditary; Hereditary neoplastic syndrome. Identifiers: Orphanet 140162, MedGen C0027672, MeSH D009386, MONDO:0015356.

Submission:

Ambry Genetics
Classification: Uncertain significance for Hereditary cancer-predisposing syndrome. Last evaluated: 2018-06-08. Review status: criteria provided, single submitter. Criteria: Ambry Variant Classification Scheme 2023. Collection method: clinical testing. Allele origin: germline.
Comment: The c.886-3C>G intronic variant results from a C to G substitution 3 nucleotides upstream from coding exon 7 in the RAD50 gene. This nucleotide position is not well conserved in available vertebrate species. Using the BDGP and ESEfinder splice site prediction tools, this alteration is predicted to abolish the native splice acceptor site; however, direct evidence is unavailable. Since supporting evidence is limited at this time, the clinical significance of this alteration remains unclear.

NM_005732.4(RAD50):c.886-3C>G

Gene: RAD50 (RAD50 double strand break repair protein; plus strand). Cytogenetic location: 5q31.1.
Variant type: single nucleotide variant.
Coding change: c.886-3C>G on transcript NM_005732.4 (MANE Select); 3 bases into the intron before coding-DNA position 886, C replaced by G.
Molecular consequence: intron variant.
Genome position (GRCh38, 1-based): chr5:132,587,921, C>G. VCF-style: chr5-132587921-C-G. GRCh37 (hg19) VCF-style: chr5-131923613-C-G.
Identifiers: ClinVar variation 822783 (VCV000822783.4), dbSNP rs1580992076, ClinGen allele CA915943544.